The following is an entry in ClinVar:

ClinVar aggregate classification (germline): Uncertain significance (1 of 4 stars; one submission).

Submission:

Labcorp Genetics (formerly Invitae), Labcorp
Classification: Uncertain significance. Last evaluated: 2021-08-02. Review status: criteria provided, single submitter. Criteria: Invitae Variant Classification Sherloc (09022015). Collection method: clinical testing. Allele origin: germline.
Comment: This sequence change replaces cysteine with arginine at codon 748 of the ABCA4 protein (p.Cys748Arg). The cysteine residue is moderately conserved and there is a large physicochemical difference between cysteine and arginine. In summary, the available evidence is currently insufficient to determine the role of this variant in disease. Therefore, it has been classified as a Variant of Uncertain Significance. Advanced modeling of protein sequence and biophysical properties (such as structural, functional, and spatial information, amino acid conservation, physicochemical variation, residue mobility, and thermodynamic stability) performed at Invitae indicates that this missense variant is expected to disrupt ABCA4 protein function. This variant has not been reported in the literature in individuals affected with ABCA4-related conditions. This variant is not present in population databases (ExAC no frequency).

NM_000350.3(ABCA4):c.2242T>C (p.Cys748Arg)

Gene: ABCA4 (ATP binding cassette subfamily A member 4; minus strand). Cytogenetic location: 1p22.1.
Variant type: single nucleotide variant.
Coding change: c.2242T>C on transcript NM_000350.3 (MANE Select); coding-DNA position 2242, T replaced by C.
Protein change: p.Cys748Arg; replaces cysteine 748 with arginine.
Molecular consequence: missense variant.
Genome position (GRCh38, 1-based): chr1:94,056,741, A>G on the plus strand (T>C on the coding strand, the complement: ABCA4 is on the minus strand). VCF-style: chr1-94056741-A-G. GRCh37 (hg19) VCF-style: chr1-94522297-A-G.
Other names: short protein forms C748R.
Identifiers: ClinVar variation 1371589 (VCV001371589.6), dbSNP rs2101069861, ClinGen allele CA341277945.